The following is an entry in ClinVar:

NM_003072.5(SMARCA4):c.2137G>A (p.Asp713Asn)

Gene: SMARCA4 (SWI/SNF related BAF chromatin remodeling complex subunit ATPase 4; plus strand). Cytogenetic location: 19p13.2.
Variant type: single nucleotide variant.
Coding change: c.2137G>A on transcript NM_003072.5 (MANE Select); coding-DNA position 2137, G replaced by A.
Protein change: p.Asp713Asn; replaces aspartic acid 713 with asparagine.
Molecular consequence: missense variant. On other transcripts: non-coding transcript variant (1).
Genome position (GRCh38, 1-based): chr19:11,010,394, G>A. VCF-style: chr19-11010394-G-A. GRCh37 (hg19) VCF-style: chr19-11121070-G-A.
Other names: c.2137G>A, p.Asp713Asn (NM_001128844.3, NM_001128845.2, NM_001128846.2 and 6 more transcripts); short protein forms D713N.
Identifiers: ClinVar variation 1786496 (VCV001786496.2), dbSNP rs2146233703, ClinGen allele CA404052676.

ClinVar aggregate classification (germline): Uncertain significance (1 of 4 stars; one submission).

Conditions:
Hereditary cancer-predisposing syndrome. Also called: Neoplastic Syndromes, Hereditary; Tumor predisposition; Hereditary Cancer Syndrome; Hereditary neoplastic syndrome. Identifiers: Orphanet 140162, MedGen C0027672, MeSH D009386, MONDO:0015356.

Submission:

Ambry Genetics
Classification: Uncertain significance for Hereditary cancer-predisposing syndrome. Last evaluated: 2022-01-27. Review status: criteria provided, single submitter. Criteria: Ambry Variant Classification Scheme 2023. Collection method: clinical testing. Allele origin: germline.
Comment: The p.D713N variant (also known as c.2137G>A), located in coding exon 14 of the SMARCA4 gene, results from a G to A substitution at nucleotide position 2137. The aspartic acid at codon 713 is replaced by asparagine, an amino acid with highly similar properties. This amino acid position is highly conserved in available vertebrate species. In addition, this alteration is predicted to be tolerated by in silico analysis. Missense and in-frame variants in SMARCA4 are known to cause neurodevelopmental disorders; however, such associations with rhabdoid tumor predisposition syndrome including small cell carcinoma of the ovary-hypercalcemic type (SCCOHT) are exceedingly rare (Kosho T et al. Am J Med Genet C Semin Med Genet. 2014 Sep;166C(3):262-75; Jelinic P et al. Nat Genet. 2014 May;46(5):424-6). Based on the supporting evidence, the association of this alteration with Coffin-Siris syndrome is unknown; however, the association of this alteration with rhabdoid tumor predisposition syndrome is unlikely.